The following is an entry in ClinVar:

NM_181332.3(NLGN4X):c.2259G>T (p.Arg753Ser)

Gene: NLGN4X (neuroligin 4 X-linked; minus strand). Cytogenetic location: Xp22.32.
Variant type: single nucleotide variant.
Coding change: c.2259G>T on transcript NM_181332.3 (MANE Select); coding-DNA position 2259, G replaced by T.
Protein change: p.Arg753Ser; replaces arginine 753 with serine.
Molecular consequence: missense variant.
Genome position (GRCh38, 1-based): chrX:5,893,009, C>A on the plus strand (G>T on the coding strand, the complement: NLGN4X is on the minus strand). VCF-style: chrX-5893009-C-A. GRCh37 (hg19) VCF-style: chrX-5811050-C-A.
Other names: c.2259G>T, p.Arg753Ser (NM_001282145.2, NM_001282146.2, NM_020742.4); short protein forms R753S.
Identifiers: ClinVar variation 2430488 (VCV002430488.1), dbSNP rs886042929, ClinGen allele CA412012632.

ClinVar aggregate classification (germline): Uncertain significance (1 of 4 stars; one submission).

Submission:

GeneDx
Classification: Uncertain significance. Last evaluated: 2022-08-23. Review status: criteria provided, single submitter. Criteria: GeneDx Variant Classification Process June 2021. Collection method: clinical testing. Allele origin: germline. Affected: yes.
Comment: Not observed at significant frequency in large population cohorts (gnomAD); In silico analysis supports that this missense variant has a deleterious effect on protein structure/function; Has not been previously published as pathogenic or benign to our knowledge